The following is an entry in ClinVar:

NM_201384.3(PLEC):c.11968G>C (p.Ala3990Pro)

Gene: PLEC (plectin; minus strand). Cytogenetic location: 8q24.3.
Variant type: single nucleotide variant.
Coding change: c.11968G>C on transcript NM_201384.3 (MANE Select); coding-DNA position 11968, G replaced by C.
Protein change: p.Ala3990Pro; replaces alanine 3990 with proline.
Molecular consequence: missense variant.
Genome position (GRCh38, 1-based): chr8:143,917,853, C>G on the plus strand (G>C on the coding strand, the complement: PLEC is on the minus strand). VCF-style: chr8-143917853-C-G. GRCh37 (hg19) VCF-style: chr8-144992021-C-G.
Other names: c.12049G>C, p.Ala4017Pro (NM_000445.5); c.8668G>C, p.Ala2890Pro (NM_001410941.1); c.11926G>C, p.Ala3976Pro (NM_201378.4); c.11902G>C, p.Ala3968Pro (NM_201379.3); c.12379G>C, p.Ala4127Pro (NM_201380.4); c.11872G>C, p.Ala3958Pro (NM_201381.3); c.11968G>C, p.Ala3990Pro (NM_201382.4); c.11980G>C, p.Ala3994Pro (NM_201383.3); short protein forms A3958P, A3968P, A2890P, A3990P, A3976P, A3994P, A4017P, A4127P.
Identifiers: ClinVar variation 4782973 (VCV004782973.1).
Genomic context (GRCh38, chr8:143,917,853, plus strand): 5'-CGCGCTCGGCCGACAGCAGCTTGTCCTTGAACTCGGGGCCCACAATGCCCATACGCACAG[C>G]CTCCTCCACCGTCAGCTTCAGTCCCTTGATGGGGTCGATGACGTAACCGGTGGCCGCCTG-3'
Protein context (NP_958786.1, residues 3980-4000): IKGLKLTVEE[Ala3990Pro]VRMGIVGPEF

ClinVar aggregate classification (germline): Uncertain significance (1 of 4 stars; one submission).

Conditions:
Epidermolysis bullosa simplex with nail dystrophy (EBS5D). Identifiers: MedGen C4225309, MONDO:0014661, OMIM 616487.
Epidermolysis bullosa simplex, Ogna type (EBS5A). Also called: Pidermolysis bullosa simplex 5A, Ogna type; EPIDERMOLYSIS BULLOSA SIMPLEX 5A, OGNA TYPE. Identifiers: Orphanet 79401, MedGen C0432317, MONDO:0007555, OMIM 131950.
Epidermolysis bullosa simplex 5B, with muscular dystrophy (EBS5B). Also called: Epidermolysis bullosa simplex with muscular dystrophy; EPIDERMOLYSIS BULLOSA SIMPLEX AND LIMB-GIRDLE MUSCULAR DYSTROPHY. Identifiers: Orphanet 257, MedGen C2931072, MONDO:0009181, OMIM 226670.
Autosomal recessive limb-girdle muscular dystrophy type 2Q (LGMDR17). Also called: MUSCULAR DYSTROPHY, LIMB-GIRDLE, AUTOSOMAL RECESSIVE 17. Identifiers: Orphanet 254361, MedGen C3150989, MONDO:0013390, OMIM 613723.
Epidermolysis bullosa simplex 5C, with pyloric atresia (EBS5C). Also called: PLEC-Related Epidermolysis Bullosa with Pyloric Atresia; Epidermolysis bullosa simplex with pyloric atresia; PLEC1-Related Epidermolysis Bullosa with Pyloric Atresia. Identifiers: Orphanet 158684, MedGen C2677349, MONDO:0012807, OMIM 612138.

gnomAD v4.1: 1 of 1,613,278 alleles (0.000062%); no homozygotes.

Submission:

Labcorp Genetics (formerly Invitae), Labcorp
Classification: Uncertain significance for Autosomal recessive limb-girdle muscular dystrophy type 2Q; Epidermolysis bullosa simplex, Ogna type; Epidermolysis bullosa simplex with nail dystrophy; Epidermolysis bullosa simplex 5C, with pyloric atresia; Epidermolysis bullosa simplex 5B, with muscular dystrophy. Last evaluated: 2025-02-26. Review status: criteria provided, single submitter. Criteria: Invitae Variant Classification Sherloc (09022015). Collection method: clinical testing. Allele origin: germline.
Comment: This sequence change replaces alanine, which is neutral and non-polar, with proline, which is neutral and non-polar, at codon 4017 of the PLEC protein (p.Ala4017Pro). This variant is not present in population databases (gnomAD no frequency). This variant has not been reported in the literature in individuals affected with PLEC-related conditions. Invitae Evidence Modeling of protein sequence and biophysical properties (such as structural, functional, and spatial information, amino acid conservation, physicochemical variation, residue mobility, and thermodynamic stability) indicates that this missense variant is not expected to disrupt PLEC protein function with a negative predictive value of 80%. In summary, the available evidence is currently insufficient to determine the role of this variant in disease. Therefore, it has been classified as a Variant of Uncertain Significance.